The following is an entry in ClinVar:

NM_001042492.3(NF1):c.3634G>A (p.Val1212Ile)

Gene: NF1 (neurofibromin 1; plus strand). Cytogenetic location: 17q11.2.
Variant type: single nucleotide variant.
Coding change: c.3634G>A on transcript NM_001042492.3 (MANE Select); coding-DNA position 3634, G replaced by A.
Protein change: p.Val1212Ile; replaces valine 1212 with isoleucine.
Molecular consequence: missense variant.
Genome position (GRCh38, 1-based): chr17:31,233,139, G>A. VCF-style: chr17-31233139-G-A. GRCh37 (hg19) VCF-style: chr17-29560157-G-A.
Other names: c.3634G>A, p.Val1212Ile (NM_000267.4); short protein forms V1212I.
Identifiers: ClinVar variation 824015 (VCV000824015.7), dbSNP rs1597720116, ClinGen allele CA398990385.
Genomic context (GRCh38, chr17:31,233,139, plus strand): 5'-GAATTTGACACACTTGCAGAAACAGTATTGGCTGATCGGTTTGAGAGATTGGTGGAACTG[G>A]TCACAATGATGGGTGATCAAGGAGAACTCCCTATAGCGATGGCTCTGGCCAATGTGGTTC-3'
Protein context (NP_001035957.1, residues 1202-1222): ADRFERLVEL[Val1212Ile]TMMGDQGELP

ClinVar aggregate classification (germline): Uncertain significance. Review status: criteria provided, multiple submitters, no conflicts (2 of 4 stars). 2 submissions from 2 submitters: Uncertain significance (2). Last evaluated 2024-04-09.

Conditions:
Hereditary cancer-predisposing syndrome. Also called: Neoplastic Syndromes, Hereditary; Hereditary Cancer Syndrome; Hereditary neoplastic syndrome; Tumor predisposition. Identifiers: Orphanet 140162, MedGen C0027672, MeSH D009386, MONDO:0015356.
Cardiovascular phenotype. Identifiers: MedGen CN230736.
Neurofibromatosis, type 1 (NF1). Also called: Neurofibromatosis, type I; Peripheral type neurofibromatosis; VON RECKLINGHAUSEN DISEASE; NEUROFIBROMATOSIS, TYPE I, SOMATIC. Identifiers: Orphanet 636, MedGen C0027831, MONDO:0018975, OMIM 162200. Disease mechanism: loss of function.

Submissions (2):

Labcorp Genetics (formerly Invitae), Labcorp
Classification: Uncertain significance for Neurofibromatosis, type 1. Last evaluated: 2024-04-09. Review status: criteria provided, single submitter. Criteria: Invitae Variant Classification Sherloc (09022015). Collection method: clinical testing. Allele origin: germline.
Comment: This sequence change replaces valine, which is neutral and non-polar, with isoleucine, which is neutral and non-polar, at codon 1212 of the NF1 protein (p.Val1212Ile). This variant is not present in population databases (gnomAD no frequency). This variant has not been reported in the literature in individuals affected with NF1-related conditions. ClinVar contains an entry for this variant (Variation ID: 824015). Advanced modeling of protein sequence and biophysical properties (such as structural, functional, and spatial information, amino acid conservation, physicochemical variation, residue mobility, and thermodynamic stability) performed at Invitae indicates that this missense variant is expected to disrupt NF1 protein function with a positive predictive value of 95%. In summary, the available evidence is currently insufficient to determine the role of this variant in disease. Therefore, it has been classified as a Variant of Uncertain Significance.

Ambry Genetics
Classification: Uncertain significance for Cardiovascular phenotype; Hereditary cancer-predisposing syndrome. Last evaluated: 2019-11-11. Review status: criteria provided, single submitter. Criteria: Ambry Variant Classification Scheme 2023. Collection method: clinical testing. Allele origin: germline.
Comment: The p.V1212I variant (also known as c.3634G>A), located in coding exon 27 of the NF1 gene, results from a G to A substitution at nucleotide position 3634. The valine at codon 1212 is replaced by isoleucine, an amino acid with highly similar properties. This amino acid position is highly conserved in available vertebrate species. This splice prediction software does not predict a deleterious effect on splicing. In addition, the in silico prediction for this alteration is inconclusive. Since supporting evidence is limited at this time, the clinical significance of this alteration remains unclear.